The following is an entry in ClinVar:

NM_174936.4(PCSK9):c.253G>A (p.Glu85Lys)

Gene: PCSK9 (proprotein convertase subtilisin/kexin type 9; plus strand). Cytogenetic location: 1p32.3.
Variant type: single nucleotide variant.
Coding change: c.253G>A on transcript NM_174936.4 (MANE Select); coding-DNA position 253, G replaced by A.
Protein change: p.Glu85Lys; replaces glutamic acid 85 with lysine.
Molecular consequence: missense variant.
Genome position (GRCh38, 1-based): chr1:55,043,888, G>A. VCF-style: chr1-55043888-G-A. GRCh37 (hg19) VCF-style: chr1-55509561-G-A.
Other names: short protein forms E85K.
Identifiers: ClinVar variation 921577 (VCV000921577.6), dbSNP rs774506287, ClinGen allele CA040989.
Genomic context (GRCh38, chr1:55,043,888, plus strand): 5'-CTTGCATGGGGCCAGGATCCGTGGAGGTTGCCTGGCACCTACGTGGTGGTGCTGAAGGAG[G>A]AGACCCACCTCTCGCAGTCAGAGCGCACTGCCCGCCGCCTGCAGGCCCAGGCTGCCCGCC-3'
Protein context (NP_777596.2, residues 75-95): PGTYVVVLKE[Glu85Lys]THLSQSERTA

ClinVar aggregate classification (germline): Uncertain significance. Review status: criteria provided, multiple submitters, no conflicts (2 of 4 stars). 3 submissions from 3 submitters: Uncertain significance (3). Last evaluated 2025-06-18.

Conditions:
Familial hypercholesterolemia. Also called: Familial hypercholesterolemias; Familial hypercholesterolaemia. Identifiers: MedGen C0020445, MONDO:0005439.
Hypercholesterolemia, autosomal dominant, 3 (FHCL3). Also called: Familial hypercholesterolemia 3; Familial Hypercholesterolemia, Autosomal Dominant, 3; PCSK9-Related Familial Hypercholesterolemia, Autosomal Dominant. Identifiers: MedGen C1863551, MONDO:0011369, OMIM 603776.

Allele frequency attached by ClinVar (database versions not stated): gnomAD exomes 0.00001; ExAC 0.00002.
gnomAD v4.1: 7 of 1,614,216 alleles (0.00043%); highest among the groups gnomAD compares: East Asian, 0.013%; no homozygotes.

Submissions (3):

Color Diagnostics, LLC DBA Color Health
Classification: Uncertain significance for Familial hypercholesterolemia. Last evaluated: 2025-06-18. Review status: criteria provided, single submitter. Criteria: ACMG Guidelines, 2015. Collection method: clinical testing. Allele origin: germline.
Comment: This missense variant replaces glutamic acid with lysine at codon 85 of the PCSK9 protein. Computational prediction suggests that this variant may not impact protein structure and function. To our knowledge, functional studies have not been reported for this variant. This variant has been reported in two individuals affected with familial hypercholesterolemia (PMID: 29399563, 31491741). This variant has been identified in 3/251088 chromosomes in the general population by the Genome Aggregation Database (gnomAD). The available evidence is insufficient to determine the role of this variant in disease conclusively. Therefore, this variant is classified as a Variant of Uncertain Significance.

3billion
Classification: Uncertain significance for Hypercholesterolemia, autosomal dominant, 3. Last evaluated: 2024-01-23. Review status: criteria provided, single submitter. Criteria: ACMG Guidelines, 2015. Collection method: clinical testing. Allele origin: germline. Affected: yes.
Comment: The variant is observed at an extremely low frequency in the gnomAD v2.1.1 dataset (total allele frequency: 0.001%). Predicted Consequence/Location: Missense changes are a common disease-causing mechanism. In silico tool predictions suggest no damaging effect of the variant on gene or gene product [REVEL: 0.07 (<0.4); 3Cnet: 0.00 (<0.15, specificity 0.78 and negative predicitive value 0.92)]. Therefore, this variant is classified as VUS according to the recommendation of ACMG/AMP guideline.

All of Us Research Program, National Institutes of Health
Classification: Uncertain significance for Hypercholesterolemia, autosomal dominant, 3. Last evaluated: 2024-01-11. Review status: criteria provided, single submitter. Criteria: ACMG Guidelines, 2015. Collection method: clinical testing. Allele origin: germline. Inheritance: Autosomal dominant inheritance. Observed: 1 variant allele, 1 heterozygote.
Comment: This missense variant replaces glutamic acid with lysine at codon 85 of the PCSK9 protein. Computational prediction suggests that this variant may not impact protein structure and function (internally defined REVEL score threshold <= 0.5, PMID: 27666373). Splice site prediction tools suggest that this variant may not impact RNA splicing. To our knowledge, functional studies have not been performed for this variant. This variant has been reported in two unrelated individuals affected with familial hypercholesterolemia (PMID: 29399563, 31491741). This variant has also been identified in 3/251088 chromosomes in the general population by the Genome Aggregation Database (gnomAD). The available evidence is insufficient to determine the role of this variant in disease conclusively. Therefore, this variant is classified as a Variant of Uncertain Significance.

This study involves interpretation of variants in research participants for the purpose of population health screening. Participant phenotype was not available at the time of variant classification. Additional details can be found in publication PMID: 35346344, PMCID: PMC8962531

Literature cited by the submitters: PubMed 29399563 (cited by Color Diagnostics, LLC DBA Color Health and All of Us Research Program, National Institutes of Health); PubMed 31491741 (cited by Color Diagnostics, LLC DBA Color Health and All of Us Research Program, National Institutes of Health).